The following is an entry in ClinVar:

ClinVar aggregate classification (germline): Likely benign. Review status: criteria provided, multiple submitters, no conflicts (2 of 4 stars). 2 submissions from 2 submitters: Likely benign (2). Last evaluated 2026-08-01.

Conditions:
Cardiovascular phenotype. Identifiers: MedGen CN230736.

Allele frequency attached by ClinVar (database versions not stated): gnomAD exomes below 0.00001.

Submissions (2):

CeGaT Center for Human Genetics Tuebingen
Classification: Likely benign. Last evaluated: 2026-08-01. Review status: criteria provided, single submitter. Criteria: CeGaT Center For Human Genetics Tuebingen Variant Classification Criteria Version 2. Collection method: clinical testing. Allele origin: germline. Affected: yes. Observed: 2 variant alleles.
Comment: ALMS1: BP4, BP7

Ambry Genetics
Classification: Likely benign for Cardiovascular phenotype. Last evaluated: 2022-08-24. Review status: criteria provided, single submitter. Criteria: Ambry Variant Classification Scheme 2023. Collection method: clinical testing. Allele origin: germline.

NM_001378454.1(ALMS1):c.2298A>G (p.Gln766=)

Gene: ALMS1 (ALMS1 centrosome and basal body associated protein; plus strand). Cytogenetic location: 2p13.1.
Variant type: single nucleotide variant.
Coding change: c.2298A>G on transcript NM_001378454.1 (MANE Select); coding-DNA position 2298, A replaced by G.
Protein change: p.Gln766=; no amino-acid change (glutamine 766 retained).
Molecular consequence: synonymous variant.
Genome position (GRCh38, 1-based): chr2:73,448,825, A>G. VCF-style: chr2-73448825-A-G. GRCh37 (hg19) VCF-style: chr2-73675952-A-G.
Other names: c.2301A>G, p.Gln767= (NM_015120.4).
Identifiers: ClinVar variation 1789297 (VCV001789297.24), dbSNP rs1468823466, ClinGen allele CA427019597.
Genomic context (GRCh38, chr2:73,448,825, plus strand): 5'-TCCTGGACCAGCTGACCAGAAGACTGAGATACCAGCAGTACAGTCTAGTTCTTACTCACA[A>G]AGAGAAAAGCCTAGTATTTTGTACCCACAGGACTTAGCAGACAGTCATCTACCTGAAGAG-3'
Protein context (NP_001365383.1, residues 756-776): IPAVQSSSYS[Gln766=]REKPSILYPQ